The following is an entry in ClinVar:

NM_015662.3(IFT172):c.2974A>C (p.Arg992=)

Gene: IFT172 (intraflagellar transport 172; minus strand). Cytogenetic location: 2p23.3.
Variant type: single nucleotide variant.
Coding change: c.2974A>C on transcript NM_015662.3 (MANE Select); coding-DNA position 2974, A replaced by C.
Protein change: p.Arg992=; no amino-acid change (arginine 992 retained).
Molecular consequence: synonymous variant.
Genome position (GRCh38, 1-based): chr2:27,458,127, T>G on the plus strand (A>C on the coding strand, the complement: IFT172 is on the minus strand). VCF-style: chr2-27458127-T-G. GRCh37 (hg19) VCF-style: chr2-27680994-T-G.
Other names: c.2908A>C, p.Arg970= (NM_001410739.1).
Identifiers: ClinVar variation 4990849 (VCV004990849.1).
Genomic context (GRCh38, chr2:27,458,127, plus strand): 5'-CCTCGTCCCAGCCTTGAAATCTCATCTCCCTCTACACCTCCTCTGGGGCCACGGCTCACC[T>G]TTCAGCCTCACGGTACTTGCCCTGCTTCTCCATTTCCTGGGCCTGAGTGATGTATAGCAC-3'
Protein context (NP_056477.1, residues 982-1002): EKQGKYREAE[Arg992=]LYVTVQEPDL

ClinVar aggregate classification (germline): Likely benign (1 of 4 stars; one submission).

Conditions:
IFT172-related disorder. Also called: IFT172-related disorders; IFT172-related condition.

Submission:

PreventionGenetics, part of Exact Sciences
Classification: Likely benign for IFT172-related condition. Last evaluated: 2025-11-07. Review status: criteria provided, single submitter. Criteria: ACMG Guidelines, 2015. Collection method: clinical testing. Allele origin: germline.
Comment: This variant is classified as likely benign based on ACMG/AMP sequence variant interpretation guidelines (Richards et al. 2015 PMID: 25741868, with internal and published modifications).